The following is an entry in ClinVar:

NM_005055.5(RAPSN):c.731T>C (p.Leu244Pro)

Gene: RAPSN (receptor associated protein of the synapse; minus strand). Cytogenetic location: 11p11.2.
Variant type: single nucleotide variant.
Coding change: c.731T>C on transcript NM_005055.5 (MANE Select); coding-DNA position 731, T replaced by C.
Protein change: p.Leu244Pro; replaces leucine 244 with proline.
Molecular consequence: missense variant.
Genome position (GRCh38, 1-based): chr11:47,441,881, A>G on the plus strand (T>C on the coding strand, the complement: RAPSN is on the minus strand). VCF-style: chr11-47441881-A-G. GRCh37 (hg19) VCF-style: chr11-47463433-A-G.
Other names: c.731T>C, p.Leu244Pro (NM_032645.5); short protein forms L244P.
Identifiers: ClinVar variation 961690 (VCV000961690.10), dbSNP rs2076367706, ClinGen allele CA380330278.

ClinVar aggregate classification (germline): Uncertain significance (1 of 4 stars; one submission).

Conditions:
Fetal akinesia deformation sequence 1 (FADS1). Also called: Fetal akinesia sequence; Pena-Shokeir syndrome type I. Identifiers: Orphanet 994, MedGen C1276035, MONDO:0100101, OMIM 208150, HP:0001989.
Congenital myasthenic syndrome 11. Also called: MYASTHENIC SYNDROME, CONGENITAL, Ie; Myasthenic syndrome, congenital, 11, associated with acetylcholine receptor deficiency. Identifiers: Orphanet 590, MedGen C4225367, MONDO:0014588, OMIM 616326.

Submission:

Labcorp Genetics (formerly Invitae), Labcorp
Classification: Uncertain significance for Congenital myasthenic syndrome 11; Fetal akinesia deformation sequence 1. Last evaluated: 2019-10-16. Review status: criteria provided, single submitter. Criteria: Invitae Variant Classification Sherloc (09022015). Collection method: clinical testing. Allele origin: germline.
Comment: In summary, the available evidence is currently insufficient to determine the role of this variant in disease. Therefore, it has been classified as a Variant of Uncertain Significance. Algorithms developed to predict the effect of missense changes on protein structure and function are either unavailable or do not agree on the potential impact of this missense change (SIFT: "Deleterious"; PolyPhen-2: "Probably Damaging"; Align-GVGD: "Class C0"). This variant has not been reported in the literature in individuals with RAPSN-related conditions. This variant is not present in population databases (ExAC no frequency). This sequence change replaces leucine with proline at codon 244 of the RAPSN protein (p.Leu244Pro). The leucine residue is highly conserved and there is a moderate physicochemical difference between leucine and proline.